The following is an entry in ClinVar:

ClinVar aggregate classification (germline): Conflicting classifications of pathogenicity. Review status: criteria provided, conflicting classifications (1 of 4 stars). 7 submissions from 7 submitters: Uncertain significance (1); Benign (1); Likely benign (3). 2 of the submissions do not count toward it. Last evaluated 2026-01-27.

Conditions:
Inborn genetic diseases. Identifiers: MedGen C0950123, MeSH D030342.
Mucopolysaccharidosis, MPS-III-C (MPS3C). Also called: MUCOPOLYSACCHARIDOSIS, TYPE IIIC; mucopolysaccharidosis type 3C; SANFILIPPO SYNDROME C; MPS III C; MPS IIIC (Sanfilippo Syndrome Type C); Mucopolysaccharidosis type IIIC (Sanfilippo C). Identifiers: Orphanet 581, Orphanet 79271, MedGen C0086649, MONDO:0009657, OMIM 252930.
HGSNAT-related disorder. Also called: HGSNAT-related condition.
Retinitis pigmentosa 73 (RP73). Identifiers: Orphanet 791, MedGen C4225287, MONDO:0014687, OMIM 616544.

Allele frequency attached by ClinVar (database versions not stated): gnomAD 0.00134 and 0.00128; gnomAD exomes 0.00032; 1000 Genomes Project 30x 0.00172; TOPMed 0.00141; 1000 Genomes Project 0.00160; ESP Exome Variant Server 0.00170; ExAC 0.00037.
gnomAD v4.1: 373 of 1,607,222 alleles (0.023%); highest among the groups gnomAD compares: African/African-American, 0.44%; no homozygotes.

Submissions (7):

Labcorp Genetics (formerly Invitae), Labcorp
Classification: Likely benign for Retinitis pigmentosa 73; Mucopolysaccharidosis, MPS-III-C. Last evaluated: 2026-01-27. Review status: criteria provided, single submitter. Criteria: Invitae Variant Classification Sherloc (09022015). Collection method: clinical testing. Allele origin: germline.

Blueprint Genetics
Classification: Benign. Last evaluated: 2024-08-30. Review status: criteria provided, single submitter. Criteria: ACMG Guidelines, 2015. Collection method: clinical testing. Allele origin: germline.

Mayo Clinic Laboratories, Mayo Clinic
Classification: Uncertain significance. Last evaluated: 2024-02-26. Review status: criteria provided, single submitter. Criteria: ACMG Guidelines, 2015. Collection method: clinical testing. Allele origin: germline. Observed: 1 variant allele.
Comment: BS1

Women's Health and Genetics/Laboratory Corporation of America, LabCorp
Classification: Likely benign. Last evaluated: 2024-02-09. Review status: criteria provided, single submitter. Criteria: LabCorp Variant Classification Summary - May 2015. Collection method: clinical testing. Allele origin: germline.
Comment: Variant summary: HGSNAT c.1759G>A (p.Glu587Lys) results in a conservative amino acid change in the encoded protein sequence. Three of four in-silico tools predict a benign effect of the variant on protein function. The variant allele was found at a frequency of 0.00032 in 239094 control chromosomes, predominantly at a frequency of 0.0044 within the African or African-American subpopulation in the gnomAD database. The observed variant frequency within African or African-American control individuals in the gnomAD database is approximately 4 fold of the estimated maximal expected allele frequency for a pathogenic variant in HGSNAT causing Retinitis Pigmentosa 73 phenotype (0.0011), strongly suggesting that the variant is a benign polymorphism found primarily in populations of African or African-American origin. c.1759G>A has been reported in the literature in one individual affected with adult-onset nonsyndromic retinitis pigmentosa (Schiff_2020). The report does not provide unequivocal conclusions about association of the variant with Retinitis Pigmentosa 73. To our knowledge, no experimental evidence demonstrating an impact on protein function has been reported. The following publication have been ascertained in the context of this evaluation (PMID: 32770643). ClinVar contains an entry for this variant (Variation ID: 719496). Based on the evidence outlined above, the variant was classified as likely benign.

Ambry Genetics
Classification: Likely benign for Inborn genetic diseases. Last evaluated: 2021-06-22. Review status: criteria provided, single submitter. Criteria: Ambry Variant Classification Scheme 2023. Collection method: clinical testing. Allele origin: germline.

PreventionGenetics, part of Exact Sciences
Classification: Likely benign for HGSNAT-related condition. Last evaluated: 2022-04-22. Review status: no assertion criteria provided. Collection method: clinical testing. Allele origin: germline. Not counted in ClinVar's aggregate classification.
Comment: This variant is classified as likely benign based on ACMG/AMP sequence variant interpretation guidelines (Richards et al. 2015 PMID: 25741868, with internal and published modifications).

Natera, Inc.
Classification: Uncertain significance for Mucopolysaccharidosis type IIIC. Last evaluated: 2019-11-11. Review status: no assertion criteria provided. Collection method: clinical testing. Allele origin: germline. Not counted in ClinVar's aggregate classification.

Literature cited by the submitters: PubMed 32770643 (cited by Mayo Clinic Laboratories, Mayo Clinic and Women's Health and Genetics/Laboratory Corporation of America, LabCorp).

NM_152419.3(HGSNAT):c.1759G>A (p.Glu587Lys)

Gene: HGSNAT (heparan-alpha-glucosaminide N-acetyltransferase; plus strand). Cytogenetic location: 8p11.21.
Variant type: single nucleotide variant.
Coding change: c.1759G>A on transcript NM_152419.3 (MANE Select); coding-DNA position 1759, G replaced by A.
Protein change: p.Glu587Lys; replaces glutamic acid 587 with lysine.
Molecular consequence: missense variant.
Genome position (GRCh38, 1-based): chr8:43,199,420, G>A. VCF-style: chr8-43199420-G-A. GRCh37 (hg19) VCF-style: chr8-43054563-G-A.
Other names: p.Glu587Lys; c.1846G>A, p.Glu616Lys (NM_001363227.2); c.1567G>A, p.Glu523Lys (NM_001363228.2); c.895G>A, p.Glu299Lys (NM_001363229.2); short protein forms E523K, E587K, E299K, E616K.
Identifiers: ClinVar variation 719496 (VCV000719496.18), dbSNP rs202128129, ClinGen allele CA4737022.
Genomic context (GRCh38, chr8:43,199,420, plus strand): 5'-TGATCTTCTGTATGTCTCTCTCCTTAAGGAATGAATTCCATTCTGGTATATGTCGGCCAC[G>A]AGGTGTTTGAGAACTACTTCCCCTTTCAGTGGAAGCTGAAGGACAACCAGTCCCACAAGG-3'
Protein context (NP_689632.2, residues 577-597): MNSILVYVGH[Glu587Lys]VFENYFPFQW